The following is an entry in ClinVar:

ClinVar aggregate classification (germline): Likely pathogenic (1 of 4 stars; one submission).

Conditions:
Autosomal recessive limb-girdle muscular dystrophy type 2J (LGMDR10). Also called: Limb-girdle muscular dystrophy, type 2J; MUSCULAR DYSTROPHY, LIMB-GIRDLE, AUTOSOMAL RECESSIVE 10. Identifiers: Orphanet 140922, MedGen C1837342, MONDO:0012127, OMIM 608807.
Dilated cardiomyopathy 1G (CMD1G). Identifiers: Orphanet 154, MedGen C1858763, MONDO:0011400, OMIM 604145.

Submission:

Labcorp Genetics (formerly Invitae), Labcorp
Classification: Likely pathogenic for Dilated cardiomyopathy 1G; Autosomal recessive limb-girdle muscular dystrophy type 2J. Last evaluated: 2025-05-14. Review status: criteria provided, single submitter. Criteria: Invitae Variant Classification Sherloc (09022015). Collection method: clinical testing. Allele origin: germline.
Comment: This sequence change creates a premature translational stop signal (p.Glu28558Aspfs*19) in the TTN gene. While this is not anticipated to result in nonsense mediated decay, it is expected to create a truncated TTN protein. This variant is not present in population databases (gnomAD no frequency). This variant has not been reported in the literature in individuals affected with TTN-related conditions. This variant is located in the A band of TTN (PMID: 25589632). Truncating variants in this region are significantly overrepresented in patients affected with dilated cardiomyopathy (PMID: 25589632). Truncating variants in this region have also been reported in individuals affected with autosomal recessive centronuclear myopathy (PMID: 23975875). In summary, the currently available evidence indicates that the variant is pathogenic, but additional data are needed to prove that conclusively. Therefore, this variant has been classified as Likely Pathogenic.

Literature cited by the submitters: PubMed 25589632; PubMed 23975875.

NM_001267550.2(TTN):c.85674_85675del (p.Glu28558fs)

Genes: TTN-AS1 (TTN antisense RNA 1; plus strand), TTN (titin; minus strand). Cytogenetic location: 2q31.2.
Variant type: Deletion.
Coding change: c.85674_85675del on transcript NM_001267550.2 (MANE Select); coding-DNA positions 85674 to 85675, 2 bases deleted (AA; older notation c.85674_85675delAA).
Protein change: p.Glu28558fs; shifts the reading frame from glutamic acid 28558.
Molecular consequence: frameshift variant.
Genome position (GRCh38, 1-based): chr2:178,560,457-178,560,458, TT deleted on the plus strand (AA on the coding strand, the reverse complement: TTN is on the minus strand); deleting any 2 consecutive bases within chr2:178,560,457-178,560,459 gives the same sequence; the c. name uses the placement nearest the transcript's 3' end. VCF-style (leftmost placement, unchanged base first): chr2-178560456-ATT-A. GRCh37 (hg19) VCF-style: chr2-179425183-ATT-A.
Other names: c.80751_80752del, p.Glu26917fs (NM_001256850.1); c.58479_58480del, p.Glu19493fs (NM_003319.4); c.77970_77971del, p.Glu25990fs (NM_133378.4); c.58854_58855del, p.Glu19618fs (NM_133432.3); c.59055_59056del, p.Glu19685fs (NM_133437.4); short protein forms E19618fs, E25990fs, E19493fs, E28558fs, E26917fs, E19685fs.
Identifiers: ClinVar variation 4785030 (VCV004785030.1).